The following is an entry in ClinVar:

NM_005989.4(AKR1D1):c.782G>A (p.Arg261His)

Gene: AKR1D1 (aldo-keto reductase family 1 member D1; plus strand). Cytogenetic location: 7q33.
Variant type: single nucleotide variant.
Coding change: c.782G>A on transcript NM_005989.4 (MANE Select); coding-DNA position 782, G replaced by A.
Protein change: p.Arg261His; replaces arginine 261 with histidine.
Molecular consequence: missense variant.
Genome position (GRCh38, 1-based): chr7:138,107,507, G>A. VCF-style: chr7-138107507-G-A. GRCh37 (hg19) VCF-style: chr7-137792253-G-A.
Other names: c.659G>A, p.Arg220His (NM_001190906.2); c.782G>A, p.Arg261His (NM_001190907.2); short protein forms R220H, R261H.
Identifiers: ClinVar variation 908393 (VCV000908393.8), dbSNP rs143101649, ClinGen allele CA4502824.

ClinVar aggregate classification (germline): Conflicting classifications of pathogenicity. Review status: criteria provided, conflicting classifications (1 of 4 stars). 4 submissions from 4 submitters: Likely pathogenic (1); Uncertain significance (3). Last evaluated 2026-01-25.

Conditions:
Congenital bile acid synthesis defect 2 (CBAS2). Also called: CHOLESTASIS WITH DELTA(4)-3-OXOSTEROID 5-BETA-REDUCTASE DEFICIENCY. Identifiers: Orphanet 79303, MedGen C1856127, MONDO:0009339, OMIM 235555.

Allele frequency attached by ClinVar (database versions not stated): ExAC 0.00007; gnomAD 0.00007; TOPMed 0.00007; ESP Exome Variant Server 0.00008; 1000 Genomes Project 30x 0.00016; 1000 Genomes Project 0.00020.
gnomAD v4.1: 109 of 1,614,080 alleles (0.0068%); highest among the groups gnomAD compares: Non-Finnish European, 0.0078%; 1 homozygote.

Submissions (4):

Labcorp Genetics (formerly Invitae), Labcorp
Classification: Uncertain significance. Last evaluated: 2026-01-25. Review status: criteria provided, single submitter. Criteria: Invitae Variant Classification Sherloc (09022015). Collection method: clinical testing. Allele origin: germline.
Comment: This sequence change replaces arginine, which is basic and polar, with histidine, which is basic and polar, at codon 261 of the AKR1D1 protein (p.Arg261His). This variant is present in population databases (rs143101649, gnomAD 0.03%). This missense change has been observed in individuals with AKR1D1-related conditions (PMID: 38062451). ClinVar contains an entry for this variant (Variation ID: 908393). An algorithm developed to predict the effect of missense changes on protein structure and function (PolyPhen-2) suggests that this variant is likely to be disruptive. This variant disrupts the p.Arg261 amino acid residue in AKR1D1. Other variant(s) that disrupt this residue have been observed in individuals with AKR1D1-related conditions (PMID: 15030995), which suggests that this may be a clinically significant amino acid residue. In summary, the available evidence is currently insufficient to determine the role of this variant in disease. Therefore, it has been classified as a Variant of Uncertain Significance.

Women's Health and Genetics/Laboratory Corporation of America, LabCorp
Classification: Uncertain significance. Last evaluated: 2024-08-01. Review status: criteria provided, single submitter. Criteria: LabCorp Variant Classification Summary - May 2015. Collection method: clinical testing. Allele origin: germline.
Comment: Variant summary: AKR1D1 c.782G>A (p.Arg261His) results in a non-conservative amino acid change located in the NADP-dependent oxidoreductase domain (IPR023210) of the encoded protein sequence. Four of five in-silico tools predict a damaging effect of the variant on protein function. The variant allele was found at a frequency of 0.00012 in 251392 control chromosomes. This frequency is not significantly higher than estimated for a pathogenic variant in AKR1D1 causing Congenital bile acid synthesis defect 2, allowing no conclusion about variant significance. c.782G>A has been reported in the literature in compound heterozygous individuals affected with cholestatic jaundice and delta-4-3-oxosteroid 5-beta-reductase deficiency (Gardin_2023). These data indicate that the variant may be associated with disease. To our knowledge, no experimental evidence demonstrating an impact on protein function has been reported. The following publication has been ascertained in the context of this evaluation (PMID: 38062451). ClinVar contains an entry for this variant (Variation ID: 908393). Based on the evidence outlined above, the variant was classified as VUS-possibly pathogenic.

Provincial Medical Genetics Program of British Columbia, University of British Columbia
Classification: Likely pathogenic for Congenital bile acid synthesis defect 2. Last evaluated: 2021-10-15. Review status: criteria provided, single submitter. Criteria: ACMG Guidelines, 2015. Collection method: clinical testing. Allele origin: germline. Inheritance: Autosomal recessive inheritance. Affected: yes. Observed: 1 compound heterozygote.
Comment: This sequence variant defined is predicted to result in the amino acid substitution p.Arg261His. To our knowledge, this exact variant has not been reported in the literature; however, an alternate missense change at the same amino acid position (p.Arg261Cys) has been documented in the compound heterozygous state in two affected siblings, and has functional studies supporting its pathogenicity (Gonzales et al. 2004. PubMed ID: 15030995; Drury JE et al 2010. PubMed ID: 20522910; Mindnich R et al 2010. PubMed ID: 21185810). This variant is observed in trans with a known likely pathogenic variant.

Illumina Laboratory Services, Illumina
Classification: Uncertain significance for Congenital bile acid synthesis defect 2. Last evaluated: 2018-01-12. Review status: criteria provided, single submitter. Criteria: ICSL Variant Classification Criteria 13 December 2019. Collection method: clinical testing. Allele origin: germline.

Literature cited by the submitters: PubMed 38062451 (cited by Labcorp Genetics (formerly Invitae), Labcorp and Women's Health and Genetics/Laboratory Corporation of America, LabCorp); PubMed 15030995 (cited by Labcorp Genetics (formerly Invitae), Labcorp and Provincial Medical Genetics Program of British Columbia, University of British Columbia); PubMed 20522910 (cited by Provincial Medical Genetics Program of British Columbia, University of British Columbia); PubMed 21185810 (cited by Provincial Medical Genetics Program of British Columbia, University of British Columbia).